The following is an entry in ClinVar:

NM_000400.4(ERCC2):c.758G>T (p.Arg253Leu)

Gene: ERCC2 (ERCC excision repair 2, TFIIH core complex helicase subunit; minus strand). Cytogenetic location: 19q13.32.
Variant type: single nucleotide variant.
Coding change: c.758G>T on transcript NM_000400.4 (MANE Select); coding-DNA position 758, G replaced by T.
Protein change: p.Arg253Leu; replaces arginine 253 with leucine.
Molecular consequence: missense variant.
Genome position (GRCh38, 1-based): chr19:45,364,292, C>A on the plus strand (G>T on the coding strand, the complement: ERCC2 is on the minus strand). VCF-style: chr19-45364292-C-A. GRCh37 (hg19) VCF-style: chr19-45867550-C-A.
Other names: c.686G>T, p.Arg229Leu (NM_001130867.2); short protein forms R229L, R253L.
Identifiers: ClinVar variation 3276271 (VCV003276271.1).

ClinVar aggregate classification (germline): Uncertain significance (1 of 4 stars; one submission).

Conditions:
Inborn genetic diseases. Identifiers: MedGen C0950123, MeSH D030342.

Submission:

Ambry Genetics
Classification: Uncertain significance for Inborn genetic diseases. Last evaluated: 2024-05-05. Review status: criteria provided, single submitter. Criteria: Ambry Variant Classification Scheme 2023. Collection method: clinical testing. Allele origin: germline.
Comment: The p.R253L variant (also known as c.758G>T), located in coding exon 9 of the ERCC2 gene, results from a G to T substitution at nucleotide position 758. The arginine at codon 253 is replaced by leucine, an amino acid with dissimilar properties. This amino acid position is conserved. In addition, this alteration is predicted to be deleterious by in silico analysis. Based on the available evidence, the clinical significance of this variant remains unclear.